The following is an entry in ClinVar:

ClinVar aggregate classification (germline): Benign/Likely benign. Review status: criteria provided, multiple submitters, no conflicts (2 of 4 stars). 3 submissions from 3 submitters: Benign (1); Likely benign (2). Last evaluated 2024-06-25.

Conditions:
Hereditary cancer-predisposing syndrome. Also called: Neoplastic Syndromes, Hereditary; Tumor predisposition; Hereditary Cancer Syndrome; Hereditary neoplastic syndrome. Identifiers: Orphanet 140162, MedGen C0027672, MeSH D009386, MONDO:0015356.
Oligodontia-cancer predisposition syndrome. Also called: TOOTH AGENESIS-COLORECTAL CANCER SYNDROME. Identifiers: Orphanet 300576, MedGen C1837750, MONDO:0012075, OMIM 608615. Disease mechanism: loss of function.

Submissions (3):

Myriad Genetics, Inc.
Classification: Benign for Oligodontia-cancer predisposition syndrome. Last evaluated: 2024-06-25. Review status: criteria provided, single submitter. Criteria: Myriad Autosomal Dominant, Autosomal Recessive and X-Linked Classification Criteria (2023). Collection method: clinical testing. Allele origin: unknown.
Comment: This variant is considered benign. This variant is a silent/synonymous amino acid change and it is not expected to impact splicing.

Labcorp Genetics (formerly Invitae), Labcorp
Classification: Likely benign for Oligodontia-cancer predisposition syndrome. Last evaluated: 2024-03-17. Review status: criteria provided, single submitter. Criteria: Invitae Variant Classification Sherloc (09022015). Collection method: clinical testing. Allele origin: germline.

Ambry Genetics
Classification: Likely benign for Hereditary cancer-predisposing syndrome. Last evaluated: 2020-11-18. Review status: criteria provided, single submitter. Criteria: Ambry Variant Classification Scheme 2023. Collection method: clinical testing. Allele origin: germline.

NM_004655.4(AXIN2):c.171G>A (p.Arg57=)

Gene: AXIN2 (axin 2; minus strand). Cytogenetic location: 17q24.1.
Variant type: single nucleotide variant.
Coding change: c.171G>A on transcript NM_004655.4 (MANE Select); coding-DNA position 171, G replaced by A.
Protein change: p.Arg57=; no amino-acid change (arginine 57 retained).
Molecular consequence: synonymous variant.
Genome position (GRCh38, 1-based): chr17:65,558,450, C>T on the plus strand (G>A on the coding strand, the complement: AXIN2 is on the minus strand). VCF-style: chr17-65558450-C-T. GRCh37 (hg19) VCF-style: chr17-63554568-C-T.
Other names: c.171G>A, p.Arg57= (NM_001363813.1).
Identifiers: ClinVar variation 1778720 (VCV001778720.6), dbSNP rs1308077533, ClinGen allele CA501691506.